The following is an entry in ClinVar:

NM_000268.4(NF2):c.1687A>G (p.Asn563Asp)

Gene: NF2 (NF2, moesin-ezrin-radixin like (MERLIN) tumor suppressor; plus strand). Cytogenetic location: 22q12.2.
Variant type: single nucleotide variant.
Coding change: c.1687A>G on transcript NM_000268.4 (MANE Select); coding-DNA position 1687, A replaced by G.
Protein change: p.Asn563Asp; replaces asparagine 563 with aspartic acid.
Molecular consequence: missense variant. On other transcripts: intron variant (3).
Genome position (GRCh38, 1-based): chr22:29,681,551, A>G. VCF-style: chr22-29681551-A-G. GRCh37 (hg19) VCF-style: chr22-30077540-A-G.
Other names: c.1573A>G, p.Asn525Asp (NM_001407053.1, NM_001407056.1); c.1564A>G, p.Asn522Asp (NM_001407054.1, NM_001407058.1, NM_181829.3); c.1561A>G, p.Asn521Asp (NM_001407055.1, NM_181828.3); c.1552A>G, p.Asn518Asp (NM_001407057.1, NM_001407059.1); c.1429A>G, p.Asn477Asp (NM_001407062.1); c.1438A>G, p.Asn480Asp (NM_001407063.1, NM_181830.3, NM_181831.3); c.1153A>G, p.Asn385Asp (NM_001407065.1); c.1687A>G, p.Asn563Asp (NM_001407066.1, NM_016418.5, NM_181825.3 and 1 more transcripts); and 4 more; short protein forms N477D, N525D, N486D, N518D, N521D, N563D, N385D, N480D.
Identifiers: ClinVar variation 2624990 (VCV002624990.5), dbSNP rs2518735726, ClinGen allele CA411150348.
Genomic context (GRCh38, chr22:29,681,551, plus strand): 5'-AAGACAGAAATCGAGGCCTTGAAACTGAAAGAGAGGGAGACAGCTCTGGATATTCTGCAC[A>G]ATGAGAACTCCGACAGGGGTGGCAGCAGCAAGCACAATACCATTAAAAAGGTACCCAGGG-3'
Protein context (NP_000259.1, residues 553-573): ERETALDILH[Asn563Asp]ENSDRGGSSK

ClinVar aggregate classification (germline): Uncertain significance. Review status: criteria provided, multiple submitters, no conflicts (2 of 4 stars). 2 submissions from 2 submitters: Uncertain significance (2). Last evaluated 2023-09-10.

Conditions:
Neurofibromatosis, type 2 (SWNV). Also called: BILATERAL ACOUSTIC NEUROFIBROMATOSIS; SCHWANNOMATOSIS, VESTIBULAR; NF2-Related Schwannomatosis. Identifiers: Orphanet 637, MedGen C0027832, MONDO:0007039, OMIM 101000. Disease mechanism: loss of function.
Hereditary cancer-predisposing syndrome. Also called: Neoplastic Syndromes, Hereditary; Hereditary Cancer Syndrome; Tumor predisposition; Hereditary neoplastic syndrome. Identifiers: Orphanet 140162, MedGen C0027672, MeSH D009386, MONDO:0015356.

Submissions (2):

Ambry Genetics
Classification: Uncertain significance for Hereditary cancer-predisposing syndrome. Last evaluated: 2023-09-10. Review status: criteria provided, single submitter. Criteria: Ambry Variant Classification Scheme 2023. Collection method: clinical testing. Allele origin: germline.
Comment: The p.N563D variant (also known as c.1687A>G), located in coding exon 15 of the NF2 gene, results from an A to G substitution at nucleotide position 1687. The asparagine at codon 563 is replaced by aspartic acid, an amino acid with highly similar properties. This amino acid position is conserved. In addition, this alteration is predicted to be tolerated by in silico analysis. Since supporting evidence is limited at this time, the clinical significance of this alteration remains unclear.

Labcorp Genetics (formerly Invitae), Labcorp
Classification: Uncertain significance for Neurofibromatosis, type 2. Last evaluated: 2022-11-10. Review status: criteria provided, single submitter. Criteria: Invitae Variant Classification Sherloc (09022015). Collection method: clinical testing. Allele origin: germline.
Comment: Advanced modeling of protein sequence and biophysical properties (such as structural, functional, and spatial information, amino acid conservation, physicochemical variation, residue mobility, and thermodynamic stability) performed at Invitae indicates that this missense variant is not expected to disrupt NF2 protein function. In summary, the available evidence is currently insufficient to determine the role of this variant in disease. Therefore, it has been classified as a Variant of Uncertain Significance. This variant has not been reported in the literature in individuals affected with NF2-related conditions. This sequence change replaces asparagine, which is neutral and polar, with aspartic acid, which is acidic and polar, at codon 563 of the NF2 protein (p.Asn563Asp). This variant is not present in population databases (gnomAD no frequency).